The following is an entry in ClinVar:

NM_001394062.1(MACF1):c.10816-7T>A

Gene: MACF1 (microtubule actin crosslinking factor 1; plus strand). Cytogenetic location: 1p34.3.
Variant type: single nucleotide variant.
Coding change: c.10816-7T>A on transcript NM_001394062.1 (MANE Select); 7 bases into the intron before coding-DNA position 10816, T replaced by A.
Molecular consequence: intron variant.
Genome position (GRCh38, 1-based): chr1:39,349,471, T>A. VCF-style: chr1-39349471-T-A. GRCh37 (hg19) VCF-style: chr1-39815143-T-A.
Other names: c.4630-7T>A (NM_012090.5).
Identifiers: ClinVar variation 1253548 (VCV001253548.15), dbSNP rs16826093, ClinGen allele CA781454.

ClinVar aggregate classification (germline): Benign. Review status: criteria provided, multiple submitters, no conflicts (2 of 4 stars). 6 submissions from 6 submitters: Benign (5). 1 of the submissions does not count toward it. Last evaluated 2026-02-02.

Conditions:
Lissencephaly 9 with complex brainstem malformation. Identifiers: Orphanet 572013, MedGen C5193029, MONDO:0032677, OMIM 618325.
MACF1-related disorder. Also called: MACF1-related condition.

Allele frequency attached by ClinVar (database versions not stated): 1000 Genomes Project 30x 0.11805; 1000 Genomes Project 0.11821; TOPMed 0.15614; gnomAD 0.15940 and 0.15989; ESP Exome Variant Server 0.16254; ExAC 0.18515; gnomAD exomes 0.18845.
gnomAD v4.1: 315,268 of 1,606,234 alleles (20%); highest among the groups gnomAD compares: Non-Finnish European, 21%; 32,847 homozygotes.

Submissions (26):

Labcorp Genetics (formerly Invitae), Labcorp
Classification: Benign. Last evaluated: 2026-02-02. Review status: criteria provided, single submitter. Criteria: Invitae Variant Classification Sherloc (09022015). Collection method: clinical testing. Allele origin: germline.

Blueprint Genetics
Classification: Benign. Last evaluated: 2024-11-26. Review status: criteria provided, single submitter. Criteria: ACMG Guidelines, 2015. Collection method: clinical testing. Allele origin: germline.

Genome-Nilou Lab
Classification: Benign for Lissencephaly 9 with complex brainstem malformation. Last evaluated: 2023-04-11. Review status: criteria provided, single submitter. Criteria: ACMG Guidelines, 2015. Collection method: clinical testing. Allele origin: germline. Affected: no.

GeneDx
Classification: Benign. Last evaluated: 2021-05-04. Review status: criteria provided, single submitter. Criteria: GeneDx Variant Classification Process June 2021. Collection method: clinical testing. Allele origin: germline. Affected: yes.

Breakthrough Genomics
Classification: Benign. Review status: criteria provided, single submitter. Criteria: ACMG Guidelines, 2015. Collection method: not provided. Allele origin: germline. Inheritance: Autosomal dominant inheritance. Affected: yes.

PreventionGenetics, part of Exact Sciences
Classification: Benign for MACF1-related condition. Last evaluated: 2019-06-28. Review status: no assertion criteria provided. Collection method: clinical testing. Allele origin: germline. Not counted in ClinVar's aggregate classification.
Comment: This variant is classified as benign based on ACMG/AMP sequence variant interpretation guidelines (Richards et al. 2015 PMID: 25741868, with internal and published modifications).

Dr. Peter K. Rogan Lab, Western University
No classification provided (evidence only). Condition: Malignant lymphoma, large B-cell, diffuse. Review status: no classification provided. Collection method: in vitro. Allele origin: not applicable. Functional consequence: retained intron. Not counted in ClinVar's aggregate classification.

Dr. Peter K. Rogan Lab, Western University
No classification provided (evidence only). Condition: Malignant lymphoma, large B-cell, diffuse. Review status: no classification provided. Collection method: in vitro. Allele origin: not applicable. Functional consequence: retained intron. Not counted in ClinVar's aggregate classification.

Dr. Peter K. Rogan Lab, Western University
No classification provided (evidence only). Condition: Malignant lymphoma, large B-cell, diffuse. Review status: no classification provided. Collection method: in vitro. Allele origin: not applicable. Functional consequence: retained intron. Not counted in ClinVar's aggregate classification.

Dr. Peter K. Rogan Lab, Western University
No classification provided (evidence only). Condition: Hepatocellular carcinoma. Review status: no classification provided. Collection method: in vitro. Allele origin: not applicable. Functional consequence: retained intron. Not counted in ClinVar's aggregate classification.

Dr. Peter K. Rogan Lab, Western University
No classification provided (evidence only). Condition: Hepatocellular carcinoma. Review status: no classification provided. Collection method: in vitro. Allele origin: not applicable. Functional consequence: retained intron. Not counted in ClinVar's aggregate classification.

Dr. Peter K. Rogan Lab, Western University
No classification provided (evidence only). Condition: Hepatocellular carcinoma. Review status: no classification provided. Collection method: in vitro. Allele origin: not applicable. Functional consequence: retained intron. Not counted in ClinVar's aggregate classification.

Dr. Peter K. Rogan Lab, Western University
No classification provided (evidence only). Condition: Hepatocellular carcinoma. Review status: no classification provided. Collection method: in vitro. Allele origin: not applicable. Functional consequence: retained intron. Not counted in ClinVar's aggregate classification.

Dr. Peter K. Rogan Lab, Western University
No classification provided (evidence only). Condition: Hepatocellular carcinoma. Review status: no classification provided. Collection method: in vitro. Allele origin: not applicable. Functional consequence: retained intron. Not counted in ClinVar's aggregate classification.

Dr. Peter K. Rogan Lab, Western University
No classification provided (evidence only). Condition: Hepatocellular carcinoma. Review status: no classification provided. Collection method: in vitro. Allele origin: not applicable. Functional consequence: retained intron. Not counted in ClinVar's aggregate classification.

Dr. Peter K. Rogan Lab, Western University
No classification provided (evidence only). Condition: Hepatocellular carcinoma. Review status: no classification provided. Collection method: in vitro. Allele origin: not applicable. Functional consequence: retained intron. Not counted in ClinVar's aggregate classification.

Dr. Peter K. Rogan Lab, Western University
No classification provided (evidence only). Condition: Hepatocellular carcinoma. Review status: no classification provided. Collection method: in vitro. Allele origin: not applicable. Functional consequence: retained intron. Not counted in ClinVar's aggregate classification.

Dr. Peter K. Rogan Lab, Western University
No classification provided (evidence only). Condition: Hepatocellular carcinoma. Review status: no classification provided. Collection method: in vitro. Allele origin: not applicable. Functional consequence: retained intron. Not counted in ClinVar's aggregate classification.

Dr. Peter K. Rogan Lab, Western University
No classification provided (evidence only). Condition: Hepatocellular carcinoma. Review status: no classification provided. Collection method: in vitro. Allele origin: not applicable. Functional consequence: retained intron. Not counted in ClinVar's aggregate classification.

Dr. Peter K. Rogan Lab, Western University
No classification provided (evidence only). Condition: Hepatocellular carcinoma. Review status: no classification provided. Collection method: in vitro. Allele origin: not applicable. Functional consequence: retained intron. Not counted in ClinVar's aggregate classification.

Dr. Peter K. Rogan Lab, Western University
No classification provided (evidence only). Condition: Hepatocellular carcinoma. Review status: no classification provided. Collection method: in vitro. Allele origin: not applicable. Functional consequence: retained intron. Not counted in ClinVar's aggregate classification.

Dr. Peter K. Rogan Lab, Western University
No classification provided (evidence only). Condition: Hepatocellular carcinoma. Review status: no classification provided. Collection method: in vitro. Allele origin: not applicable. Functional consequence: retained intron. Not counted in ClinVar's aggregate classification.

Dr. Peter K. Rogan Lab, Western University
No classification provided (evidence only). Condition: Hepatocellular carcinoma. Review status: no classification provided. Collection method: in vitro. Allele origin: not applicable. Functional consequence: retained intron. Not counted in ClinVar's aggregate classification.

Dr. Peter K. Rogan Lab, Western University
No classification provided (evidence only). Condition: Hepatocellular carcinoma. Review status: no classification provided. Collection method: in vitro. Allele origin: not applicable. Functional consequence: retained intron. Not counted in ClinVar's aggregate classification.

Dr. Peter K. Rogan Lab, Western University
No classification provided (evidence only). Condition: Hepatocellular carcinoma. Review status: no classification provided. Collection method: in vitro. Allele origin: not applicable. Functional consequence: retained intron. Not counted in ClinVar's aggregate classification.

Dr. Peter K. Rogan Lab, Western University
No classification provided (evidence only). Condition: Hepatocellular carcinoma. Review status: no classification provided. Collection method: in vitro. Allele origin: not applicable. Functional consequence: retained intron. Not counted in ClinVar's aggregate classification.